The following is an entry in ClinVar:

ClinVar aggregate classification (germline): Pathogenic/Likely pathogenic. Review status: criteria provided, multiple submitters, no conflicts (2 of 4 stars). 3 submissions from 3 submitters: Pathogenic (1); Likely pathogenic (2). Last evaluated 2025-03-17.

Conditions:
Nemaline myopathy. Also called: Myopathies, Nemaline. Identifiers: Orphanet 607, MedGen C0206157, MONDO:0018958.
Arthrogryposis multiplex congenita 6. Identifiers: MedGen C5543431, MONDO:0030281, OMIM 619334.
Nemaline myopathy 2 (NEM2). Also called: Nemaline myopathy 2, autosomal recessive. Identifiers: MedGen C1850569, MONDO:0009725, OMIM 256030.

Allele frequency attached by ClinVar (database versions not stated): gnomAD exomes below 0.00001; TOPMed below 0.00001.
gnomAD v4.1: 2 of 1,613,976 alleles (0.00012%); highest among the groups gnomAD compares: Non-Finnish European, 0.000085%; no homozygotes.

Submissions (3):

Broad Center for Mendelian Genomics, Broad Institute of MIT and Harvard
Classification: Likely pathogenic for Nemaline myopathy. Last evaluated: 2025-03-17. Review status: criteria provided, single submitter. Criteria: ACMG Guidelines, 2015. Collection method: curation. Allele origin: germline. Inheritance: Autosomal recessive inheritance.
Comment: The p.Gln2935Ter variant in NEB has not been previously reported in the literature in individuals with nemaline myopathy but has been identified in 0.00009% (1/1111846) of European (non-Finnish) chromosomes by the Genome Aggregation Database (gnomAD; dbSNP ID: rs1351747266). Although this variant has been seen in the general population in a heterozygous state, its frequency is low enough to be consistent with a recessive carrier frequency. This variant has been reported in ClinVar (Variation ID: 1074607) and has been interpreted as pathogenic by Invitae. This nonsense variant leads to a premature termination codon at position 2935, which is predicted to lead to a truncated or absent protein. This alteration is then predicted to lead to a truncated or absent protein. Loss of function of the NEB gene is an established disease mechanism in autosomal recessive nemaline myopathy. In summary, although additional studies are required to fully establish its clinical significance, this variant is likely pathogenic for autosomal recessive nemaline myopathy. ACMG/AMP Criteria applied: PVS, PM2_supporting (Richards 2015).

Baylor Genetics
Classification: Likely pathogenic for Arthrogryposis multiplex congenita 6. Last evaluated: 2023-12-19. Review status: criteria provided, single submitter. Criteria: ACMG Guidelines, 2015. Collection method: clinical testing. Allele origin: unknown.

Labcorp Genetics (formerly Invitae), Labcorp
Classification: Pathogenic for Nemaline myopathy 2. Last evaluated: 2023-12-01. Review status: criteria provided, single submitter. Criteria: Invitae Variant Classification Sherloc (09022015). Collection method: clinical testing. Allele origin: germline.
Comment: This sequence change creates a premature translational stop signal (p.Gln2935*) in the NEB gene. It is expected to result in an absent or disrupted protein product. Loss-of-function variants in NEB are known to be pathogenic (PMID: 25205138). This variant is present in population databases (no rsID available, gnomAD no frequency). This variant has not been reported in the literature in individuals affected with NEB-related conditions. ClinVar contains an entry for this variant (Variation ID: 1074607). For these reasons, this variant has been classified as Pathogenic.

Literature cited by the submitters: PubMed 25205138 (cited by Labcorp Genetics (formerly Invitae), Labcorp).

NM_001164508.2(NEB):c.8803C>T (p.Gln2935Ter)

Gene: NEB (nebulin; minus strand). Cytogenetic location: 2q23.3.
Variant type: single nucleotide variant.
Coding change: c.8803C>T on transcript NM_001164508.2 (MANE Select); coding-DNA position 8803, C replaced by T.
Protein change: p.Gln2935Ter; replaces glutamine 2935 with a stop codon.
Molecular consequence: nonsense.
Genome position (GRCh38, 1-based): chr2:151,639,943, G>A on the plus strand (C>T on the coding strand, the complement: NEB is on the minus strand). VCF-style: chr2-151639943-G-A. GRCh37 (hg19) VCF-style: chr2-152496457-G-A.
Other names: NM_001164508.2(NEB):c.8803C>T; p.Gln2935Ter; c.8803C>T, p.Gln2935Ter (NM_001164507.2, NM_001271208.2, NM_004543.5); c.8803C>T (NM_001271208.1); short protein forms Q2935*.
Identifiers: ClinVar variation 1074607 (VCV001074607.9), dbSNP rs1351747266, ClinGen allele CA348809233.